The following is an entry in ClinVar:

NM_001365536.1(SCN9A):c.2231C>G (p.Pro744Arg)

Genes: SCN1A-AS1 (SCN1A and SCN9A antisense RNA 1; plus strand), SCN9A (sodium voltage-gated channel alpha subunit 9; minus strand). Cytogenetic location: 2q24.3.
Variant type: single nucleotide variant.
Coding change: c.2231C>G on transcript NM_001365536.1 (MANE Select); coding-DNA position 2231, C replaced by G.
Protein change: p.Pro744Arg; replaces proline 744 with arginine.
Molecular consequence: missense variant.
Genome position (GRCh38, 1-based): chr2:166,280,469, G>C on the plus strand (C>G on the coding strand, the complement: SCN9A is on the minus strand). VCF-style: chr2-166280469-G-C. GRCh37 (hg19) VCF-style: chr2-167136979-G-C.
Other names: c.2198C>G, p.Pro733Arg (NM_002977.4); short protein forms P744R, P733R.
Identifiers: ClinVar variation 1787513 (VCV001787513.2), dbSNP rs2468019371, ClinGen allele CA349079666.

ClinVar aggregate classification (germline): Uncertain significance (1 of 4 stars; one submission).

Conditions:
Inborn genetic diseases. Identifiers: MedGen C0950123, MeSH D030342.

Allele frequency attached by ClinVar (database versions not stated): gnomAD exomes below 0.00001.

Submission:

Ambry Genetics
Classification: Uncertain significance for Inborn genetic diseases. Last evaluated: 2021-01-13. Review status: criteria provided, single submitter. Criteria: Ambry Variant Classification Scheme 2023. Collection method: clinical testing. Allele origin: germline.
Comment: The p.P733R variant (also known as c.2198C>G), located in coding exon 13 of the SCN9A gene, results from a C to G substitution at nucleotide position 2198. The proline at codon 733 is replaced by arginine, an amino acid with dissimilar properties. This amino acid position is highly conserved in available vertebrate species. In addition, this alteration is predicted to be deleterious by in silico analysis. Since supporting evidence is limited at this time, the clinical significance of this alteration remains unclear.